The following is an entry in ClinVar:

ClinVar aggregate classification (germline): Uncertain significance. Review status: criteria provided, multiple submitters, no conflicts (2 of 4 stars). 8 submissions from 8 submitters: Uncertain significance (8). Last evaluated 2025-12-24.

Conditions:
Inborn genetic diseases. Identifiers: MedGen C0950123, MeSH D030342.
Neuropathy, hereditary sensory and autonomic, type 2A (HSAN2A). Also called: HSAN IIA; WNK1-Related HSAN2 (HSAN2A); MORVAN DISEASE; NEUROPATHY, CONGENITAL SENSORY; NEUROPATHY, HEREDITARY SENSORY RADICULAR, AUTOSOMAL RECESSIVE; NEUROPATHY, HEREDITARY SENSORY, TYPE IIA. Identifiers: Orphanet 970, MedGen C2752089, MONDO:0024309, OMIM 201300.
Paroxysmal extreme pain disorder (PEXPD). Also called: PAIN, SUBMANDIBULAR, OCULAR, AND RECTAL, WITH FLUSHING; RECTAL PAIN, FAMILIAL; SCN9A Paroxysmal Extreme Pain Disorder (SCN9A-PEPD). Identifiers: Orphanet 46348, MedGen C1833661, MONDO:0008179, OMIM 167400.
Primary erythromelalgia. Also called: primary erythermalgia; SCN9A Erythromelalgia (SCN9A-EM). Identifiers: Orphanet 306577, Orphanet 90026, MedGen C0014805, MONDO:0007571, OMIM 133020.
Channelopathy-associated congenital insensitivity to pain, autosomal recessive. Also called: ASYMBOLIA FOR PAIN; CONGENITAL ANALGESIA, AUTOSOMAL RECESSIVE; Insensitivity to pain, channelopathy-associated. Identifiers: Orphanet 88642, Orphanet 970, MedGen C1855739, MONDO:0009459, OMIM 243000.
Generalized epilepsy with febrile seizures plus, type 7 (GEFSP7). Also called: GEFS+, TYPE 7. Identifiers: Orphanet 36387, MedGen C2751778, MONDO:0013470, OMIM 613863.

Allele frequency attached by ClinVar (database versions not stated): gnomAD exomes 0.00006 and 0.00016; ExAC 0.00007; gnomAD 0.00008 and 0.00009; TOPMed 0.00008.
gnomAD v4.1: 233 of 1,613,180 alleles (0.014%); highest among the groups gnomAD compares: Non-Finnish European, 0.019%; no homozygotes.

Submissions (8):

Labcorp Genetics (formerly Invitae), Labcorp
Classification: Uncertain significance for Neuropathy, hereditary sensory and autonomic, type 2A; Generalized epilepsy with febrile seizures plus, type 7. Last evaluated: 2025-12-24. Review status: criteria provided, single submitter. Criteria: Invitae Variant Classification Sherloc (09022015). Collection method: clinical testing. Allele origin: germline.
Comment: This sequence change replaces isoleucine, which is neutral and non-polar, with methionine, which is neutral and non-polar, at codon 684 of the SCN9A protein (p.Ile684Met). This variant is present in population databases (rs199588089, gnomAD 0.01%). This missense change has been observed in individual(s) with seizures (PMID: 19763161, 31847883). ClinVar contains an entry for this variant (Variation ID: 246106). Invitae Evidence Modeling of protein sequence and biophysical properties (such as structural, functional, and spatial information, amino acid conservation, physicochemical variation, residue mobility, and thermodynamic stability) indicates that this missense variant is not expected to disrupt SCN9A protein function with a negative predictive value of 95%. In summary, the available evidence is currently insufficient to determine the role of this variant in disease. Therefore, it has been classified as a Variant of Uncertain Significance.

Mayo Clinic Laboratories, Mayo Clinic
Classification: Uncertain significance. Last evaluated: 2025-05-18. Review status: criteria provided, single submitter. Criteria: ACMG Guidelines, 2015. Collection method: clinical testing. Allele origin: germline. Observed: 1 variant allele.

Fulgent Genetics
Classification: Uncertain significance for Primary erythromelalgia; Paroxysmal extreme pain disorder; Neuropathy, hereditary sensory and autonomic, type 2A; Channelopathy-associated congenital insensitivity to pain, autosomal recessive. Last evaluated: 2021-08-03. Review status: criteria provided, single submitter. Criteria: ACMG Guidelines, 2015. Collection method: clinical testing. Allele origin: unknown.

Ambry Genetics
Classification: Uncertain significance for Inborn genetic diseases. Last evaluated: 2021-07-01. Review status: criteria provided, single submitter. Criteria: Ambry Variant Classification Scheme 2023. Collection method: clinical testing. Allele origin: germline.
Comment: The p.I684M variant (also known as c.2052A>G), located in coding exon 12 of the SCN9A gene, results from an A to G substitution at nucleotide position 2052. The isoleucine at codon 684 is replaced by methionine, an amino acid with highly similar properties. This variant was detected in an individual with febrile seizures, who also had a de novo canonical splice site variant in SCN9A (Singh NA et al. PLoS Genet, 2009 Sep;5:e1000649). This amino acid position is not well conserved in available vertebrate species. In addition, the in silico prediction for this alteration is inconclusive. Since supporting evidence is limited at this time, the clinical significance of this alteration remains unclear.

ARUP Laboratories, Molecular Genetics and Genomics, ARUP Laboratories
Classification: Uncertain significance. Last evaluated: 2020-02-03. Review status: criteria provided, single submitter. Criteria: ARUP Molecular Germline Variant Investigation Process. Collection method: clinical testing. Allele origin: germline.

CeGaT Center for Human Genetics Tuebingen
Classification: Uncertain significance. Last evaluated: 2019-03-01. Review status: criteria provided, single submitter. Criteria: CeGaT Center For Human Genetics Tuebingen Variant Classification Criteria Version 2. Collection method: clinical testing. Allele origin: germline. Affected: yes. Observed: 1 variant allele.

Eurofins Ntd Llc (ga)
Classification: Uncertain significance. Last evaluated: 2017-02-20. Review status: criteria provided, single submitter. Criteria: EGL Classification Definitions 2015. Collection method: clinical testing. Allele origin: germline. Observed: 2 variant alleles, 2 heterozygotes.

GeneDx
Classification: Uncertain significance. Last evaluated: 2016-03-28. Review status: criteria provided, single submitter. Criteria: GeneDx Variant Classification (06012015). Collection method: clinical testing. Allele origin: germline. Affected: yes.
Comment: The I684M variant has not been published in association with an inherited pain syndrome, to our knowledge. It was previously reported to be maternally inherited in a patient with Dravet syndrome who harbored a de novo pathogenic variant in the SCN1A gene that explained the phenotype, and the I684M variant in SCN9A was suggested to act as a modifier of the Dravet syndrome phenotype; however, further research is needed to clarify the possible association between SCN9A variants and seizure predisposition (Singh et al., 2009). The I684M variant was not observed with any significant frequency in the Exome Aggregation Consortium (ExAC) data set, indicating it is not a common benign variant. It is a conservative amino acid substitution that occurs at a position in the cytoplasmic loop between the first and second transmembrane domain, and amino acids with similar properties to Isoleucine are tolerated across species at that position. In silico analysis is inconsistent in its predictions as to whether or not the variant is damaging to the protein structure/function. Therefore, based on the currently available information, it is unclear whether this variant is a pathogenic variant or a rare benign variant.

Literature cited by the submitters: PubMed 19763161 (cited by 3 submitters); PubMed 31847883 (cited by Labcorp Genetics (formerly Invitae), Labcorp and Mayo Clinic Laboratories, Mayo Clinic).

NM_001365536.1(SCN9A):c.2085A>G (p.Ile695Met)

Genes: SCN1A-AS1 (SCN1A and SCN9A antisense RNA 1; plus strand), SCN9A (sodium voltage-gated channel alpha subunit 9; minus strand). Cytogenetic location: 2q24.3.
Variant type: single nucleotide variant.
Coding change: c.2085A>G on transcript NM_001365536.1 (MANE Select); coding-DNA position 2085, A replaced by G.
Protein change: p.Ile695Met; replaces isoleucine 695 with methionine.
Molecular consequence: missense variant.
Genome position (GRCh38, 1-based): chr2:166,281,698, T>C on the plus strand (A>G on the coding strand, the complement: SCN9A is on the minus strand). VCF-style: chr2-166281698-T-C. GRCh37 (hg19) VCF-style: chr2-167138208-T-C.
Other names: p.Ile684Met; c.2052A>G, p.Ile684Met (NM_002977.4); short protein forms I684M, I695M.
Identifiers: ClinVar variation 246106 (VCV000246106.62), dbSNP rs199588089, ClinGen allele CA1944342.